The following is an entry in ClinVar:

ClinVar aggregate classification (germline): Benign. Review status: reviewed by expert panel (3 of 4 stars). 5 submissions from 4 submitters: Benign (1). 4 of the submissions do not count toward it. Last evaluated 2019-07-25.

Conditions:
RASopathy. Also called: Noonan spectrum disorder; rasopathies. Identifiers: Orphanet 536391, MedGen C5555857, MONDO:0021060.
Noonan syndrome 5 (NS5). Also called: RAF1-Related Noonan Syndrome. Identifiers: Orphanet 648, MedGen C1969057, MONDO:0012690, OMIM 611553. Disease mechanism: gain of function.
LEOPARD syndrome 2 (LPRD2). Also called: RAF1-Related LEOPARD Syndrome. Identifiers: Orphanet 500, MedGen C1969056, MONDO:0012691, OMIM 611554.

Allele frequency attached by ClinVar (database versions not stated): TOPMed 0.00201; 1000 Genomes Project 30x 0.00219; 1000 Genomes Project 0.00220.
gnomAD v4.1: 393 of 398,506 alleles (0.099%); highest among the groups gnomAD compares: African/African-American, 0.68%; no homozygotes.

Submissions (5):

ClinGen RASopathy Variant Curation Expert Panel
Classification: Benign for RASopathy. Last evaluated: 2019-07-25. Review status: reviewed by expert panel. Criteria: ClinGen RASopathy ACMG Specifications v1. Collection method: curation. Allele origin: germline. Inheritance: Autosomal dominant inheritance.
Comment: The c.-267G>A variant was identified in the RAF1 gene. The filtering allele frequency for the c.-267G>A is 6.32% for African chromosomes in gnomAD (68/8706 with 95% CI), which is a high enough frequency to be classified as benign based on thresholds defined by the ClinGen RASopathy Expert panel for autosomal dominant RASopathy variants (BA1). The variant has also been identified in a patient with an alternate molecular basis for disease (BP5; Laboratory for Molecular Medicine internal data). In summary, the c.-267G>A variant meets criteria to be classified as benign. RASopathy-specific ACMG/AMP criteria applied (PMID:29493581): BA1, BP5.

Illumina Laboratory Services, Illumina
Classification: Likely benign for Noonan syndrome 5. Last evaluated: 2018-01-13. Review status: criteria provided, single submitter. Criteria: ICSL Variant Classification Criteria 13 December 2019. Collection method: clinical testing. Allele origin: germline. Not counted in ClinVar's aggregate classification.
Comment: This variant was observed in the ICSL laboratory as part of a predisposition screen in an ostensibly healthy population. It had not been previously curated by ICSL or reported in the Human Gene Mutation Database (HGMD: prior to June 1st, 2018), and was therefore a candidate for classification through an automated scoring system. Utilizing variant allele frequency, disease prevalence and penetrance estimates, and inheritance mode, an automated score was calculated to assess if this variant is too frequent to cause the disease. Based on the score and internal cut-off values, a variant classified as likely benign is not then subjected to further curation. The score for this variant resulted in a classification of likely benign for this disease.

Illumina Laboratory Services, Illumina
Classification: Benign for LEOPARD syndrome 2. Last evaluated: 2018-01-13. Review status: criteria provided, single submitter. Criteria: ICSL Variant Classification Criteria 13 December 2019. Collection method: clinical testing. Allele origin: germline. Not counted in ClinVar's aggregate classification.
Comment: This variant was observed in the ICSL laboratory as part of a predisposition screen in an ostensibly healthy population. It had not been previously curated by ICSL or reported in the Human Gene Mutation Database (HGMD: prior to June 1st, 2018), and was therefore a candidate for classification through an automated scoring system. Utilizing variant allele frequency, disease prevalence and penetrance estimates, and inheritance mode, an automated score was calculated to assess if this variant is too frequent to cause the disease. Based on the score and internal cut-off values, a variant classified as benign is not then subjected to further curation. The score for this variant resulted in a classification of benign for this disease.

GeneDx
Classification: Benign. Last evaluated: 2015-03-03. Review status: criteria provided, single submitter. Criteria: GeneDx Variant Classification Process June 2021. Collection method: clinical testing. Allele origin: germline. Affected: yes. Not counted in ClinVar's aggregate classification.

Laboratory for Molecular Medicine, Mass General Brigham Personalized Medicine
Classification: Likely benign. Last evaluated: 2011-11-17. Review status: criteria provided, single submitter. Criteria: LMM Criteria. Collection method: clinical testing. Allele origin: germline. Observed: 6 variant alleles. Not counted in ClinVar's aggregate classification.
Comment: This variant is located in the 5'UTR and variants in regulatory regions could ha ve an effect on transcriptional or translational efficiency. However, variants o f this type have not been reported in Noonan spectrum disorders to date. In addi tion, this variant has now been identified in 2/58 (3.4%) Black probands tested by our laboratory, including one proband with a pathogenic PTPN11 variant. This variant may be common in the Black population and therefore unlikely to be patho genic.

NM_002880.4(RAF1):c.-267G>A

Gene: RAF1 (Raf-1 proto-oncogene, serine/threonine kinase; minus strand). Cytogenetic location: 3p25.2.
Variant type: single nucleotide variant.
Coding change: c.-267G>A on transcript NM_002880.4 (MANE Select); 267 bases upstream of the start codon, G replaced by A.
Molecular consequence: 5 prime UTR variant. On other transcripts: non-coding transcript variant (3).
Genome position (GRCh38, 1-based): chr3:12,664,053, C>T on the plus strand (G>A on the coding strand, the complement: RAF1 is on the minus strand). VCF-style: chr3-12664053-C-T. GRCh37 (hg19) VCF-style: chr3-12705552-C-T.
Other names: c.-267G>A (NM_002880.3, NM_001354689.3, NM_001354693.3); c.-490G>A (NM_001354691.3); c.-397G>A (NM_001354692.3, NM_001354694.3, NM_001354695.3).
Identifiers: ClinVar variation 40575 (VCV000040575.11), dbSNP rs116247741, ClinGen allele CA181005.
Genomic context (GRCh38, chr3:12,664,053, plus strand): 5'-GCCCCAAAGCCCGGCCAGCTGACCCTTTTCGGGGCCCAAAAAAGGCAGCAGAAAGCCGTT[C>T]CCGCCTCACAATCGTTTTCCTCTTACTCCCGCCATCTAAGATGGCGGCCCAAGCGCCCGC-3'